The following is an entry in ClinVar:

NM_005591.4(MRE11):c.19C>G (p.Leu7Val)

Gene: MRE11 (MRE11 double strand break repair nuclease; minus strand). Cytogenetic location: 11q21.
Variant type: single nucleotide variant.
Coding change: c.19C>G on transcript NM_005591.4 (MANE Select); coding-DNA position 19, C replaced by G.
Protein change: p.Leu7Val; replaces leucine 7 with valine.
Molecular consequence: missense variant.
Genome position (GRCh38, 1-based): chr11:94,492,783, G>C on the plus strand (C>G on the coding strand, the complement: MRE11 is on the minus strand). VCF-style: chr11-94492783-G-C. GRCh37 (hg19) VCF-style: chr11-94225949-G-C.
Other names: c.19C>G, p.Leu7Val (NM_001330347.2, NM_005590.4); short protein forms L7V.
Identifiers: ClinVar variation 483604 (VCV000483604.10), dbSNP rs73517551, ClinGen allele CA6235517.

ClinVar aggregate classification (germline): Uncertain significance. Review status: criteria provided, multiple submitters, no conflicts (2 of 4 stars). 2 submissions from 2 submitters: Uncertain significance (2). Last evaluated 2025-11-24.

Conditions:
Hereditary cancer-predisposing syndrome. Also called: Neoplastic Syndromes, Hereditary; Tumor predisposition; Hereditary Cancer Syndrome; Hereditary neoplastic syndrome. Identifiers: Orphanet 140162, MedGen C0027672, MeSH D009386, MONDO:0015356.
Ataxia-telangiectasia-like disorder 1 (ATLD1). Identifiers: Orphanet 251347, MedGen C4012790, MONDO:0024557, OMIM 604391.

Allele frequency attached by ClinVar (database versions not stated): TOPMed 0.00002.
gnomAD v4.1: 55 of 1,613,828 alleles (0.0034%); highest among the groups gnomAD compares: Non-Finnish European, 0.0046%; no homozygotes.

Submissions (2):

Ambry Genetics
Classification: Uncertain significance for Hereditary cancer-predisposing syndrome. Last evaluated: 2025-11-24. Review status: criteria provided, single submitter. Criteria: Ambry Variant Classification Scheme 2023. Collection method: clinical testing. Allele origin: germline.
Comment: The p.L7V variant (also known as c.19C>G), located in coding exon 1 of the MRE11A gene, results from a C to G substitution at nucleotide position 19. The leucine at codon 7 is replaced by valine, an amino acid with highly similar properties. This alteration was reported in a study of 1297 cases of early-onset breast cancer cases and 1121 controls (Young EL et al. J. Med. Genet. 2016 Jun;53:366-76). This amino acid position is highly conserved in available vertebrate species. In addition, this alteration is predicted to be tolerated by in silico analysis. Since supporting evidence is limited at this time, the clinical significance of this alteration remains unclear.

Illumina Laboratory Services, Illumina
Classification: Uncertain significance for Ataxia-telangiectasia-like disorder 1. Last evaluated: 2018-01-13. Review status: criteria provided, single submitter. Criteria: ICSL Variant Classification Criteria 13 December 2019. Collection method: clinical testing. Allele origin: germline.

Literature cited by the submitters: PubMed 26787654 (cited by Ambry Genetics).